The following is an entry in ClinVar:

NM_021978.4(ST14):c.830C>T (p.Thr277Met)

Gene: ST14 (ST14 transmembrane serine protease matriptase; plus strand). Cytogenetic location: 11q24.3.
Variant type: single nucleotide variant.
Coding change: c.830C>T on transcript NM_021978.4 (MANE Select); coding-DNA position 830, C replaced by T.
Protein change: p.Thr277Met; replaces threonine 277 with methionine.
Molecular consequence: missense variant.
Genome position (GRCh38, 1-based): chr11:130,190,649, C>T. VCF-style: chr11-130190649-C-T. GRCh37 (hg19) VCF-style: chr11-130060544-C-T.
Other names: short protein forms T277M.
Identifiers: ClinVar variation 3449952 (VCV003449952.8).

ClinVar aggregate classification (germline): Likely benign. Review status: criteria provided, multiple submitters, no conflicts (2 of 4 stars). 2 submissions from 2 submitters: Likely benign (2). Last evaluated 2025-09-01.

Conditions:
Inborn genetic diseases. Identifiers: MedGen C0950123, MeSH D030342.

gnomAD v4.1: 658 of 1,606,068 alleles (0.041%); highest among the groups gnomAD compares: South Asian, 0.48%; 5 homozygotes.

Submissions (2):

CeGaT Center for Human Genetics Tuebingen
Classification: Likely benign. Last evaluated: 2025-09-01. Review status: criteria provided, single submitter. Criteria: CeGaT Center For Human Genetics Tuebingen Variant Classification Criteria Version 2. Collection method: clinical testing. Allele origin: germline. Affected: yes. Observed: 1 variant allele.
Comment: ST14: BP4, BS2

Ambry Genetics
Classification: Likely benign for Inborn genetic diseases. Last evaluated: 2024-11-10. Review status: criteria provided, single submitter. Criteria: Ambry Variant Classification Scheme 2023. Collection method: clinical testing. Allele origin: germline.